The following is an entry in ClinVar:

NM_024529.5(CDC73):c.1553T>G (p.Leu518Trp)

Gene: CDC73 (cell division cycle 73; plus strand). Cytogenetic location: 1q31.2.
Variant type: single nucleotide variant.
Coding change: c.1553T>G on transcript NM_024529.5 (MANE Select); coding-DNA position 1553, T replaced by G.
Protein change: p.Leu518Trp; replaces leucine 518 with tryptophan.
Molecular consequence: missense variant.
Genome position (GRCh38, 1-based): chr1:193,249,865, T>G. VCF-style: chr1-193249865-T-G. GRCh37 (hg19) VCF-style: chr1-193218995-T-G.
Other names: short protein forms L518W.
Identifiers: ClinVar variation 5033852 (VCV005033852.1).

ClinVar aggregate classification (germline): Uncertain significance (1 of 4 stars; one submission).

Conditions:
Hereditary cancer-predisposing syndrome. Also called: Neoplastic Syndromes, Hereditary; Tumor predisposition; Hereditary neoplastic syndrome; Hereditary Cancer Syndrome. Identifiers: Orphanet 140162, MedGen C0027672, MeSH D009386, MONDO:0015356.

Submission:

Ambry Genetics
Classification: Uncertain significance for Hereditary cancer-predisposing syndrome. Last evaluated: 2026-08-29. Review status: criteria provided, single submitter. Criteria: Ambry Variant Classification Scheme 2023. Collection method: clinical testing. Allele origin: germline.
Comment: The p.L518W variant (also known as c.1553T>G), located in coding exon 16 of the CDC73 gene, results from a T to G substitution at nucleotide position 1553. The leucine at codon 518 is replaced by tryptophan, an amino acid with similar properties. This amino acid position is conserved. In addition, this alteration is predicted to be deleterious by in silico analysis. Based on the available evidence, the clinical significance of this variant remains unclear.